The following is an entry in ClinVar:

NM_001040108.2(MLH3):c.2285G>A (p.Gly762Glu)

Gene: MLH3 (mutL homolog 3; minus strand). Cytogenetic location: 14q24.3.
Variant type: single nucleotide variant.
Coding change: c.2285G>A on transcript NM_001040108.2 (MANE Select); coding-DNA position 2285, G replaced by A.
Protein change: p.Gly762Glu; replaces glycine 762 with glutamic acid.
Molecular consequence: missense variant.
Genome position (GRCh38, 1-based): chr14:75,047,371, C>T on the plus strand (G>A on the coding strand, the complement: MLH3 is on the minus strand). VCF-style: chr14-75047371-C-T. GRCh37 (hg19) VCF-style: chr14-75514074-C-T.
Other names: c.2285G>A, p.Gly762Glu (NM_014381.3); short protein forms G762E.
Identifiers: ClinVar variation 3873459 (VCV003873459.1).
Genomic context (GRCh38, chr14:75,047,371, plus strand): 5'-AGATTGGTAGTGACTCCATTACTTTCCTCTACTTCTGTATCCAGAGGATTTTCAACCTTC[C>T]CATATTGCCTCTTAAACTTCTCTAAAGATCCTAGCTGTGAACTCAAGCTTAGCTTCTTAC-3'
Protein context (NP_001035197.1, residues 752-772): GSLEKFKRQY[Gly762Glu]KVENPLDTEV

ClinVar aggregate classification (germline): Uncertain significance (1 of 4 stars; one submission).

Submission:

Ambry Genetics
Classification: Uncertain significance. Last evaluated: 2025-01-28. Review status: criteria provided, single submitter. Criteria: Ambry Variant Classification Scheme 2023. Collection method: clinical testing. Allele origin: germline.
Comment: The p.G762E variant (also known as c.2285G>A), located in coding exon 1 of the MLH3 gene, results from a G to A substitution at nucleotide position 2285. The glycine at codon 762 is replaced by glutamic acid, an amino acid with similar properties. This amino acid position is conserved. In addition, the in silico prediction for this alteration is inconclusive. Based on the available evidence, the clinical significance of this variant remains unclear.